The following is an entry in ClinVar:

ClinVar aggregate classification (germline): Uncertain significance (1 of 4 stars; one submission).

Conditions:
Very long chain acyl-CoA dehydrogenase deficiency (ACADVLD). Also called: VLCAD Deficiency; Very Long-Chain Acyl-Coenzyme A Dehydrogenase Deficiency. Identifiers: Orphanet 26793, MedGen C3887523, MONDO:0008723, OMIM 201475.

Submission:

Labcorp Genetics (formerly Invitae), Labcorp
Classification: Uncertain significance for Very long chain acyl-CoA dehydrogenase deficiency. Last evaluated: 2022-03-31. Review status: criteria provided, single submitter. Criteria: Invitae Variant Classification Sherloc (09022015). Collection method: clinical testing. Allele origin: germline.
Comment: In summary, the available evidence is currently insufficient to determine the role of this variant in disease. Therefore, it has been classified as a Variant of Uncertain Significance. Algorithms developed to predict the effect of missense changes on protein structure and function are either unavailable or do not agree on the potential impact of this missense change (SIFT: "Deleterious"; PolyPhen-2: "Possibly Damaging"; Align-GVGD: "Class C0"). This variant has not been reported in the literature in individuals affected with ACADVL-related conditions. This variant is not present in population databases (gnomAD no frequency). This sequence change replaces serine, which is neutral and polar, with phenylalanine, which is neutral and non-polar, at codon 54 of the ACADVL protein (p.Ser54Phe).

NM_000018.4(ACADVL):c.161C>T (p.Ser54Phe)

Gene: ACADVL (acyl-CoA dehydrogenase very long chain; plus strand). Cytogenetic location: 17p13.1.
Variant type: single nucleotide variant.
Coding change: c.161C>T on transcript NM_000018.4 (MANE Select); coding-DNA position 161, C replaced by T.
Protein change: p.Ser54Phe; replaces serine 54 with phenylalanine.
Molecular consequence: missense variant. On other transcripts: 5 prime UTR variant (1), intron variant (1).
Genome position (GRCh38, 1-based): chr17:7,220,486, C>T. VCF-style: chr17-7220486-C-T. GRCh37 (hg19) VCF-style: chr17-7123805-C-T.
Other names: c.230C>T, p.Ser77Phe (NM_001270447.2); c.-68C>T (NM_001270448.2); c.139-118C>T (NM_001033859.3); short protein forms S54F, S77F.
Identifiers: ClinVar variation 2119737 (VCV002119737.4), dbSNP rs2508247808, ClinGen allele CA397722220.
Genomic context (GRCh38, chr17:7,220,486, plus strand): 5'-GTCCCTTCCCTGAACTTGCTAACCGTCTCTTTTCCCAGCTGGCTCTGGACAAGTCAGATT[C>T]CCACCCCTCTGACGCTCTGACCAGGAAAAAACCGGCCAAGGCGGTAGGTAGCCCCGAGGC-3'
Protein context (NP_000009.1, residues 44-64): AAQLALDKSD[Ser54Phe]HPSDALTRKK